The following is an entry in ClinVar:

ClinVar aggregate classification (germline): Uncertain significance (1 of 4 stars; one submission).

Conditions:
Hereditary cancer-predisposing syndrome. Also called: Tumor predisposition; Hereditary Cancer Syndrome; Neoplastic Syndromes, Hereditary; Hereditary neoplastic syndrome. Identifiers: Orphanet 140162, MedGen C0027672, MeSH D009386, MONDO:0015356.

Submission:

Ambry Genetics
Classification: Uncertain significance for Hereditary cancer-predisposing syndrome. Last evaluated: 2021-12-10. Review status: criteria provided, single submitter. Criteria: Ambry Variant Classification Scheme 2023. Collection method: clinical testing. Allele origin: germline.
Comment: The p.M915L variant (also known as c.2743A>T), located in coding exon 20 of the MSH3 gene, results from an A to T substitution at nucleotide position 2743. The methionine at codon 915 is replaced by leucine, an amino acid with highly similar properties. This amino acid position is conserved. In addition, the in silico prediction for this alteration is inconclusive. Since supporting evidence is limited at this time, the clinical significance of this alteration remains unclear.

NM_002439.5(MSH3):c.2743A>T (p.Met915Leu)

Gene: MSH3 (mutS homolog 3; plus strand). Cytogenetic location: 5q14.1.
Variant type: single nucleotide variant.
Coding change: c.2743A>T on transcript NM_002439.5 (MANE Select); coding-DNA position 2743, A replaced by T.
Protein change: p.Met915Leu; replaces methionine 915 with leucine.
Molecular consequence: missense variant.
Genome position (GRCh38, 1-based): chr5:80,813,671, A>T. VCF-style: chr5-80813671-A-T. GRCh37 (hg19) VCF-style: chr5-80109490-A-T.
Other names: short protein forms M915L.
Identifiers: ClinVar variation 1795462 (VCV001795462.2), dbSNP rs200945869, ClinGen allele CA360273984.